The following is an entry in ClinVar:

ClinVar aggregate classification (germline): Conflicting classifications of pathogenicity. Review status: criteria provided, conflicting classifications (1 of 4 stars). 6 submissions from 6 submitters: Uncertain significance (4); Likely benign (1). 1 of the submissions does not count toward it. Last evaluated 2025-06-06.

Conditions:
Wilson disease (WND). Also called: Wilson's disease. Identifiers: Orphanet 905, MedGen C0019202, MONDO:0010200, OMIM 277900. Disease mechanism: loss of function.

Allele frequency attached by ClinVar (database versions not stated): ExAC 0.00003; TOPMed 0.00005; gnomAD 0.00007.
gnomAD v4.1: 45 of 1,614,002 alleles (0.0028%); highest among the groups gnomAD compares: African/African-American, 0.0067%; no homozygotes.

Submissions (6):

Color Diagnostics, LLC DBA Color Health
Classification: Likely benign for Wilson disease. Last evaluated: 2025-06-06. Review status: criteria provided, single submitter. Criteria: ACMG Guidelines, 2015. Collection method: clinical testing. Allele origin: germline.

Labcorp Genetics (formerly Invitae), Labcorp
Classification: Uncertain significance for Wilson disease. Last evaluated: 2024-11-11. Review status: criteria provided, single submitter. Criteria: Invitae Variant Classification Sherloc (09022015). Collection method: clinical testing. Allele origin: germline.
Comment: This sequence change replaces proline, which is neutral and non-polar, with leucine, which is neutral and non-polar, at codon 472 of the ATP7B protein (p.Pro472Leu). This variant is present in population databases (rs771789585, gnomAD 0.008%). This variant has not been reported in the literature in individuals affected with ATP7B-related conditions. ClinVar contains an entry for this variant (Variation ID: 495400). Invitae Evidence Modeling of protein sequence and biophysical properties (such as structural, functional, and spatial information, amino acid conservation, physicochemical variation, residue mobility, and thermodynamic stability) indicates that this missense variant is not expected to disrupt ATP7B protein function with a negative predictive value of 80%. In summary, the available evidence is currently insufficient to determine the role of this variant in disease. Therefore, it has been classified as a Variant of Uncertain Significance.

Fulgent Genetics
Classification: Uncertain significance for Wilson disease. Last evaluated: 2021-12-24. Review status: criteria provided, single submitter. Criteria: ACMG Guidelines, 2015. Collection method: clinical testing. Allele origin: unknown.

Genome-Nilou Lab
Classification: Uncertain significance for Wilson disease. Last evaluated: 2021-09-05. Review status: criteria provided, single submitter. Criteria: ACMG Guidelines, 2015. Collection method: clinical testing. Allele origin: germline. Affected: no.

Women's Health and Genetics/Laboratory Corporation of America, LabCorp
Classification: Uncertain significance. Last evaluated: 2017-06-27. Review status: criteria provided, single submitter. Criteria: LabCorp Variant Classification Summary - May 2015. Collection method: clinical testing. Allele origin: germline.
Comment: Variant summary: The ATP7B c.1415C>T (p.Pro472Leu) variant causes a missense change involving the alteration of a non-conserved nucleotide. 3/4 in silico tools predict a benign outcome for this variant (SNPsandGO not available) although these predictions have yet to be functionally assessed. The variant of interest has been found in a large, broad control population, ExAC in 4/120772 control chromosomes at a frequency of 0.0000331, which does not exceed the estimated maximal expected allele frequency of a pathogenic ATP7B variant (0.0054006). The variant of interest has not, to our knowledge, been reported in affected individuals via publications and/or reputable databases/clinical diagnostic laboratories; nor evaluated for functional impact by in vivo/vitro studies. Because of the absence of clinical information and the lack of functional studies, the variant is classified as a variant of uncertain significance (VUS).

Natera, Inc.
Classification: Uncertain significance for Wilson disease. Last evaluated: 2019-10-28. Review status: no assertion criteria provided. Collection method: clinical testing. Allele origin: germline. Not counted in ClinVar's aggregate classification.

NM_000053.4(ATP7B):c.1415C>T (p.Pro472Leu)

Gene: ATP7B (ATPase copper transporting beta; minus strand). Cytogenetic location: 13q14.3.
Variant type: single nucleotide variant.
Coding change: c.1415C>T on transcript NM_000053.4 (MANE Select); coding-DNA position 1415, C replaced by T.
Protein change: p.Pro472Leu; replaces proline 472 with leucine.
Molecular consequence: missense variant.
Genome position (GRCh38, 1-based): chr13:51,970,620, G>A on the plus strand (C>T on the coding strand, the complement: ATP7B is on the minus strand). VCF-style: chr13-51970620-G-A. GRCh37 (hg19) VCF-style: chr13-52544756-G-A.
Other names: c.1415C>T, p.Pro472Leu (NM_001005918.3, NM_001330578.2, NM_001330579.2); c.1082C>T, p.Pro361Leu (NM_001243182.2); short protein forms P472L, P361L.
Identifiers: ClinVar variation 495400 (VCV000495400.17), dbSNP rs771789585, ClinGen allele CA6989354.
Genomic context (GRCh38, chr13:51,970,620, plus strand): 5'-AAGAAGCACTTCTGCGGTGCCACTGCTCTGGTTGATTGTGGGGACTTTGCCAAGATGTCC[G>A]GGGCATGGTTTGCAGGGAGCCTCCCAGTGTGGGGAGCCACTTCCTGCACAGATGTAGGTG-3'
Protein context (NP_000044.2, residues 462-482): HTGRLPANHA[Pro472Leu]DILAKSPQST